The following is an entry in ClinVar:

ClinVar aggregate classification (germline): Benign (0 of 4 stars; one submission).

Conditions:
BSN-related disorder. Also called: BSN-related condition.

Allele frequency attached by ClinVar (database versions not stated): TOPMed 0.00005; gnomAD 0.00021; gnomAD exomes 0.00049; 1000 Genomes Project 0.00100; ExAC 0.00121; 1000 Genomes Project 30x 0.00141.
gnomAD v4.1: 746 of 1,613,668 alleles (0.046%); highest among the groups gnomAD compares: South Asian, 0.78%; 13 homozygotes.

Submission:

PreventionGenetics, part of Exact Sciences
Classification: Benign for BSN-related condition. Last evaluated: 2019-06-19. Review status: no assertion criteria provided. Collection method: clinical testing. Allele origin: germline.
Comment: This variant is classified as benign based on ACMG/AMP sequence variant interpretation guidelines (Richards et al. 2015 PMID: 25741868, with internal and published modifications).

NM_003458.4(BSN):c.5049C>T (p.Gly1683=)

Gene: BSN (bassoon presynaptic cytomatrix protein; plus strand). Cytogenetic location: 3p21.31.
Variant type: single nucleotide variant.
Coding change: c.5049C>T on transcript NM_003458.4 (MANE Select); coding-DNA position 5049, C replaced by T.
Protein change: p.Gly1683=; no amino-acid change (glycine 1683 retained).
Molecular consequence: synonymous variant.
Genome position (GRCh38, 1-based): chr3:49,654,605, C>T. VCF-style: chr3-49654605-C-T. GRCh37 (hg19) VCF-style: chr3-49692038-C-T.
Identifiers: ClinVar variation 3042729 (VCV003042729.2), dbSNP rs560401884, ClinGen allele CA2400256.
Genomic context (GRCh38, chr3:49,654,605, plus strand): 5'-TGCAGTGGTAGACCTCCGTACAGCTGTCAAGCCCACTCCCATCATCCTCACTGACCAGGG[C>T]ATGGACCTCACCTCTCTTGCTGTGGAAGCGAGGAAGTATGGTCTTGCCCTGGATCCAATC-3'
Protein context (NP_003449.2, residues 1673-1693): KPTPIILTDQ[Gly1683=]MDLTSLAVEA